The following is an entry in ClinVar:

NM_005857.5(ZMPSTE24):c.65C>T (p.Ala22Val)

Genes: ZMPSTE24 (zinc metallopeptidase STE24; plus strand), LOC129930253 (ATAC-STARR-seq lymphoblastoid active region 836; plus strand). Cytogenetic location: 1p34.2.
Variant type: single nucleotide variant.
Coding change: c.65C>T on transcript NM_005857.5 (MANE Select); coding-DNA position 65, C replaced by T.
Protein change: p.Ala22Val; replaces alanine 22 with valine.
Molecular consequence: missense variant.
Genome position (GRCh38, 1-based): chr1:40,258,336, C>T. VCF-style: chr1-40258336-C-T. GRCh37 (hg19) VCF-style: chr1-40724008-C-T.
Other names: short protein forms A22V.
Identifiers: ClinVar variation 4766119 (VCV004766119.1).

ClinVar aggregate classification (germline): Uncertain significance (1 of 4 stars; one submission).

gnomAD v4.1: 10 of 1,614,176 alleles (0.00062%); highest among the groups gnomAD compares: South Asian, 0.0088%; no homozygotes.

Submission:

Labcorp Genetics (formerly Invitae), Labcorp
Classification: Uncertain significance. Last evaluated: 2025-07-09. Review status: criteria provided, single submitter. Criteria: Invitae Variant Classification Sherloc (09022015). Collection method: clinical testing. Allele origin: germline.
Comment: This sequence change replaces alanine, which is neutral and non-polar, with valine, which is neutral and non-polar, at codon 22 of the ZMPSTE24 protein (p.Ala22Val). This variant is present in population databases (rs766119891, gnomAD 0.003%). This variant has not been reported in the literature in individuals affected with ZMPSTE24-related conditions. Invitae Evidence Modeling of protein sequence and biophysical properties (such as structural, functional, and spatial information, amino acid conservation, physicochemical variation, residue mobility, and thermodynamic stability) indicates that this missense variant is not expected to disrupt ZMPSTE24 protein function with a negative predictive value of 80%. In summary, the available evidence is currently insufficient to determine the role of this variant in disease. Therefore, it has been classified as a Variant of Uncertain Significance.